The following is an entry in ClinVar:

NM_001378615.1(CC2D2A):c.3153C>T (p.Tyr1051=)

Genes: CC2D2A (coiled-coil and C2 domain containing 2A; plus strand), FBXL5 (F-box and leucine rich repeat protein 5; minus strand). Cytogenetic location: 4p15.32.
Variant type: single nucleotide variant.
Coding change: c.3153C>T on transcript NM_001378615.1 (MANE Select); coding-DNA position 3153, C replaced by T.
Protein change: p.Tyr1051=; no amino-acid change (tyrosine 1051 retained).
Molecular consequence: synonymous variant.
Genome position (GRCh38, 1-based): chr4:15,563,493, C>T. VCF-style: chr4-15563493-C-T. GRCh37 (hg19) VCF-style: chr4-15565116-C-T.
Other names: c.3153C>T, p.Tyr1051= (NM_001080522.2); c.3006C>T, p.Tyr1002= (NM_001378617.1).
Identifiers: ClinVar variation 1637738 (VCV001637738.11), dbSNP rs373671064, ClinGen allele CA2864085.

ClinVar aggregate classification (germline): Likely benign. Review status: criteria provided, multiple submitters, no conflicts (2 of 4 stars). 3 submissions from 3 submitters: Likely benign (2). 1 of the submissions does not count toward it. Last evaluated 2026-01-12.

Conditions:
CC2D2A-related disorder. Also called: CC2D2A-related condition; CC2D2A-related disorders. Identifiers: MedGen CN239313.
Meckel-Gruber syndrome. Also called: DYSENCEPHALIA SPLANCHNOCYSTICA; GRUBER SYNDROME; Dysencephalia splachnocystica. Identifiers: Orphanet 564, MedGen C0265215, MONDO:0018921.
Joubert syndrome. Also called: JOUBERT-BOLTSHAUSER SYNDROME; Familial aplasia of the vermis. Identifiers: Orphanet 475, MedGen C5979921, MONDO:0018772.

Allele frequency attached by ClinVar (database versions not stated): gnomAD exomes 0.00002; gnomAD 0.00003; TOPMed 0.00004; ExAC 0.00005; ESP Exome Variant Server 0.00008; 1000 Genomes Project 30x 0.00016; 1000 Genomes Project 0.00020.
gnomAD v4.1: 52 of 1,612,322 alleles (0.0032%); highest among the groups gnomAD compares: East Asian, 0.022%; no homozygotes.

Submissions (3):

Labcorp Genetics (formerly Invitae), Labcorp
Classification: Likely benign for Joubert syndrome; Meckel-Gruber syndrome. Last evaluated: 2026-01-12. Review status: criteria provided, single submitter. Criteria: Invitae Variant Classification Sherloc (09022015). Collection method: clinical testing. Allele origin: germline.

Blueprint Genetics
Classification: Likely benign. Last evaluated: 2024-10-16. Review status: criteria provided, single submitter. Criteria: ACMG Guidelines, 2015. Collection method: clinical testing. Allele origin: germline.

PreventionGenetics, part of Exact Sciences
Classification: Likely benign for CC2D2A-related condition. Last evaluated: 2021-08-19. Review status: no assertion criteria provided. Collection method: clinical testing. Allele origin: germline. Not counted in ClinVar's aggregate classification.
Comment: This variant is classified as likely benign based on ACMG/AMP sequence variant interpretation guidelines (Richards et al. 2015 PMID: 25741868, with internal and published modifications).